The following is an entry in ClinVar:

NM_017654.4(SAMD9):c.3069A>T (p.Gly1023=)

Gene: SAMD9 (sterile alpha motif domain containing 9; minus strand). Cytogenetic location: 7q21.2.
Variant type: single nucleotide variant.
Coding change: c.3069A>T on transcript NM_017654.4 (MANE Select); coding-DNA position 3069, A replaced by T.
Protein change: p.Gly1023=; no amino-acid change (glycine 1023 retained).
Molecular consequence: synonymous variant.
Genome position (GRCh38, 1-based): chr7:93,103,029, T>A on the plus strand (A>T on the coding strand, the complement: SAMD9 is on the minus strand). VCF-style: chr7-93103029-T-A. GRCh37 (hg19) VCF-style: chr7-92732342-T-A.
Other names: c.3069A>T, p.Gly1023= (NM_001193307.2).
Identifiers: ClinVar variation 3357999 (VCV003357999.4).

ClinVar aggregate classification (germline): Likely benign. Review status: criteria provided, multiple submitters, no conflicts (2 of 4 stars). 3 submissions from 3 submitters: Likely benign (2). 1 of the submissions does not count toward it. Last evaluated 2025-05-05.

Conditions:
Inborn genetic diseases. Identifiers: MedGen C0950123, MeSH D030342.
SAMD9-related disorder. Also called: SAMD9-related condition.

gnomAD v4.1: 6 of 1,613,870 alleles (0.00037%); highest among the groups gnomAD compares: Non-Finnish European, 0.00042%; no homozygotes.

Submissions (3):

Ambry Genetics
Classification: Likely benign for Inborn genetic diseases. Last evaluated: 2025-05-05. Review status: criteria provided, single submitter. Criteria: Ambry Variant Classification Scheme 2023. Collection method: clinical testing. Allele origin: germline.

Labcorp Genetics (formerly Invitae), Labcorp
Classification: Likely benign. Last evaluated: 2024-11-10. Review status: criteria provided, single submitter. Criteria: Invitae Variant Classification Sherloc (09022015). Collection method: clinical testing. Allele origin: germline.

PreventionGenetics, part of Exact Sciences
Classification: Uncertain significance for SAMD9-related condition. Last evaluated: 2024-05-21. Review status: no assertion criteria provided. Collection method: clinical testing. Allele origin: germline. Not counted in ClinVar's aggregate classification.
Comment: The SAMD9 c.3069A>T variant is not predicted to result in an amino acid change (p.=). To our knowledge, this variant has not been reported in the literature. This variant is reported in 0.0018% of alleles in individuals of European (Non-Finnish) descent in gnomAD. At this time, the clinical significance of this variant is uncertain due to the absence of conclusive functional and genetic evidence.